The following is an entry in ClinVar:

ClinVar aggregate classification (germline): Likely pathogenic. Review status: criteria provided, multiple submitters, no conflicts (2 of 4 stars). 2 submissions from 2 submitters: Likely pathogenic (2). Last evaluated 2025-09-04.

Conditions:
Alport syndrome. Also called: Hemorrhagic familial nephritis; Hemorrhagic hereditary nephritis; Congenital hereditary hematuria. Identifiers: Orphanet 63, MedGen C1567741, MONDO:0018965.

Submissions (2):

Natera, Inc.
Classification: Likely pathogenic for Alport syndrome. Last evaluated: 2025-09-04. Review status: criteria provided, single submitter. Criteria: Natera Variant Classification Schema (03/2026). Collection method: clinical testing. Allele origin: germline.
Comment: The c.1579G>C variant in COL4A4 is a missense variant predicted to cause substitution of glycine to arginine at amino acid 527. This variant is rare in the general population with a frequency below the threshold expected for the associated phenotype(s). This variant is located in a functionally critical region of the protein. Computational prediction algorithms indicate this variant is likely to affect gene or protein function. Given the available evidence, this variant is classified as Likely Pathogenic.

Labcorp Genetics (formerly Invitae), Labcorp
Classification: Likely pathogenic. Last evaluated: 2024-06-11. Review status: criteria provided, single submitter. Criteria: Invitae Variant Classification Sherloc (09022015). Collection method: clinical testing. Allele origin: germline.
Comment: This sequence change replaces glycine, which is neutral and non-polar, with arginine, which is basic and polar, at codon 527 of the COL4A4 protein (p.Gly527Arg). This variant is not present in population databases (gnomAD no frequency). This missense change has been observed in individual(s) with Alport syndrome (external communication). ClinVar contains an entry for this variant (Variation ID: 2031676). Advanced modeling of protein sequence and biophysical properties (such as structural, functional, and spatial information, amino acid conservation, physicochemical variation, residue mobility, and thermodynamic stability) performed at Invitae indicates that this missense variant is expected to disrupt COL4A4 protein function with a positive predictive value of 95%. This variant disrupts the p.Gly527 amino acid residue in COL4A4. Other variant(s) that disrupt this residue have been determined to be pathogenic (PMID: 19129241). This suggests that this residue is clinically significant, and that variants that disrupt this residue are likely to be disease-causing. In summary, the currently available evidence indicates that the variant is pathogenic, but additional data are needed to prove that conclusively. Therefore, this variant has been classified as Likely Pathogenic.

Literature cited by the submitters: PubMed 19129241 (cited by Labcorp Genetics (formerly Invitae), Labcorp).

NM_000092.5(COL4A4):c.1579G>C (p.Gly527Arg)

Gene: COL4A4 (collagen type IV alpha 4 chain; minus strand). Cytogenetic location: 2q36.3.
Variant type: single nucleotide variant.
Coding change: c.1579G>C on transcript NM_000092.5 (MANE Select); coding-DNA position 1579, G replaced by C.
Protein change: p.Gly527Arg; replaces glycine 527 with arginine.
Molecular consequence: missense variant.
Genome position (GRCh38, 1-based): chr2:227,088,697, C>G on the plus strand (G>C on the coding strand, the complement: COL4A4 is on the minus strand). VCF-style: chr2-227088697-C-G. GRCh37 (hg19) VCF-style: chr2-227953413-C-G.
Other names: short protein forms G527R.
Identifiers: ClinVar variation 2031676 (VCV002031676.5), dbSNP rs779930511, ClinGen allele CA350849790.